The following is an entry in ClinVar:

NM_017514.5(PLXNA3):c.1677C>T (p.Thr559=)

Gene: PLXNA3 (plexin A3; plus strand). Cytogenetic location: Xq28.
Variant type: single nucleotide variant.
Coding change: c.1677C>T on transcript NM_017514.5 (MANE Select); coding-DNA position 1677, C replaced by T.
Protein change: p.Thr559=; no amino-acid change (threonine 559 retained).
Molecular consequence: synonymous variant.
Genome position (GRCh38, 1-based): chrX:154,464,162, C>T. VCF-style: chrX-154464162-C-T. GRCh37 (hg19) VCF-style: chrX-153692505-C-T.
Identifiers: ClinVar variation 3350407 (VCV003350407.1).

ClinVar aggregate classification (germline): Likely benign (0 of 4 stars; one submission).

Conditions:
PLXNA3-related disorder. Also called: PLXNA3-related condition.

gnomAD v4.1: 19 of 1,207,436 alleles (0.0016%); highest among the groups gnomAD compares: Admixed American, 0.0065%; no homozygotes.

Submission:

PreventionGenetics, part of Exact Sciences
Classification: Likely benign for PLXNA3-related condition. Last evaluated: 2022-10-13. Review status: no assertion criteria provided. Collection method: clinical testing. Allele origin: germline.
Comment: This variant is classified as likely benign based on ACMG/AMP sequence variant interpretation guidelines (Richards et al. 2015 PMID: 25741868, with internal and published modifications).